The following is an entry in ClinVar:

NM_000342.4(SLC4A1):c.1822T>C (p.Phe608Leu)

Gene: SLC4A1 (solute carrier family 4 member 1 (Diego blood group); minus strand). Cytogenetic location: 17q21.31.
Variant type: single nucleotide variant.
Coding change: c.1822T>C on transcript NM_000342.4 (MANE Select); coding-DNA position 1822, T replaced by C.
Protein change: p.Phe608Leu; replaces phenylalanine 608 with leucine.
Molecular consequence: missense variant.
Genome position (GRCh38, 1-based): chr17:44,255,275, A>G on the plus strand (T>C on the coding strand, the complement: SLC4A1 is on the minus strand). VCF-style: chr17-44255275-A-G. GRCh37 (hg19) VCF-style: chr17-42332643-A-G.
Other names: p.(Phe608Leu); short protein forms F608L.
Identifiers: ClinVar variation 4852836 (VCV004852836.1).
Genomic context (GRCh38, chr17:44,255,275, plus strand): 5'-AGGTATCCTGAATGAAGAAATCCACCAGGACCATGATCAGGATGGAGATGGGGACCCCGA[A>G]GTCCCCGATGACCCGACGCAGCTGGGGGCAGGTGAAAGGACCAGTGGTCAGTGCCCAGTC-3'
Protein context (NP_000333.1, residues 598-618): PGKLRRVIGD[Phe608Leu]GVPISILIMV

ClinVar aggregate classification (germline): Uncertain significance (1 of 4 stars; one submission).

Conditions:
Hereditary spherocytosis type 4. Also called: SLC4A1-Related Spherocytosis. Identifiers: Orphanet 822, MedGen C2675212, MONDO:0012981, OMIM 612653.

Submission:

Department of Pediatrics, Duzce University
Classification: Uncertain significance for Hereditary spherocytosis type 4. Last evaluated: 2024-02-12. Review status: criteria provided, single submitter. Criteria: ACMG Guidelines, 2015. Collection method: research. Allele origin: germline. Inheritance: Autosomal dominant inheritance. Affected: yes.
Comment: Putatively novel missense variant p.(Phe608Leu) of uncertain significance in SLC4A1. Absent from population databases (PM2_supporting); in silico predictions insufficient or conflicting; no functional or segregation evidence currently available. Applied ACMG/AMP criteria: PM2_supporting. Classification: Uncertain significance.